The following is an entry in ClinVar:

NM_000535.7(PMS2):c.1198C>G (p.Gln400Glu)

Gene: PMS2 (PMS1 homolog 2, mismatch repair system component; minus strand). Cytogenetic location: 7p22.1.
Variant type: single nucleotide variant.
Coding change: c.1198C>G on transcript NM_000535.7 (MANE Select); coding-DNA position 1198, C replaced by G.
Protein change: p.Gln400Glu; replaces glutamine 400 with glutamic acid.
Molecular consequence: missense variant. On other transcripts: non-coding transcript variant (1).
Genome position (GRCh38, 1-based): chr7:5,987,567, G>C on the plus strand (C>G on the coding strand, the complement: PMS2 is on the minus strand). VCF-style: chr7-5987567-G-C. GRCh37 (hg19) VCF-style: chr7-6027198-G-C.
Other names: c.1222C>G, p.Gln408Glu (NM_001406868.1); c.1090C>G, p.Gln364Glu (NM_001406869.1); c.1042C>G, p.Gln348Glu (NM_001406870.1, NM_001322006.2); c.1198C>G, p.Gln400Glu (NM_001406871.1, NM_001406872.1, NM_001322014.2); c.1000C>G, p.Gln334Glu (NM_001406873.1); c.1030C>G, p.Gln344Glu (NM_001406874.1); c.889C>G, p.Gln297Glu (NM_001406875.1, NM_001406877.1, NM_001322015.2 and 5 more transcripts); c.880C>G, p.Gln294Glu (NM_001406876.1, NM_001322007.2, NM_001322008.2 and 2 more transcripts); and 12 more; short protein forms Q292E, Q294E, Q297E, Q334E, Q408E, Q143E, Q229E, Q348E.
Identifiers: ClinVar variation 2002167 (VCV002002167.5), dbSNP rs876658862, ClinGen allele CA366742584.
Genomic context (GRCh38, chr7:5,987,567, plus strand): 5'-GTCTGGAAATGGACACGTCTTTTTTTTCTTCTCCAGTCCTTAATGAAGGGGATTGATCCT[G>C]CTTTTCTACCATGGGCTTTTCCAAATCCGCTGCATGCATTTTTATTAAGTTACCTAAGCA-3'
Protein context (NP_000526.2, residues 390-410): ADLEKPMVEK[Gln400Glu]DQSPSLRTGE

ClinVar aggregate classification (germline): Uncertain significance. Review status: criteria provided, multiple submitters, no conflicts (2 of 4 stars). 2 submissions from 2 submitters: Uncertain significance (2). Last evaluated 2026-07-02.

Conditions:
Hereditary nonpolyposis colorectal neoplasms. Identifiers: MedGen C0009405, MeSH D003123.
Hereditary cancer-predisposing syndrome. Also called: Hereditary neoplastic syndrome; Neoplastic Syndromes, Hereditary; Tumor predisposition; Hereditary Cancer Syndrome. Identifiers: Orphanet 140162, MedGen C0027672, MeSH D009386, MONDO:0015356.

Submissions (2):

Ambry Genetics
Classification: Uncertain significance for Hereditary cancer-predisposing syndrome. Last evaluated: 2026-07-02. Review status: criteria provided, single submitter. Criteria: Ambry Variant Classification Scheme 2023. Collection method: clinical testing. Allele origin: germline.
Comment: The p.Q400E variant (also known as c.1198C>G), located in coding exon 11 of the PMS2 gene, results from a C to G substitution at nucleotide position 1198. The glutamine at codon 400 is replaced by glutamic acid, an amino acid with highly similar properties. This amino acid position is conserved. In addition, this alteration is predicted to be tolerated by in silico analysis. Based on the available evidence, the clinical significance of this variant remains unclear.

Labcorp Genetics (formerly Invitae), Labcorp
Classification: Uncertain significance for Hereditary nonpolyposis colorectal neoplasms. Last evaluated: 2022-06-03. Review status: criteria provided, single submitter. Criteria: Invitae Variant Classification Sherloc (09022015). Collection method: clinical testing. Allele origin: germline.
Comment: In summary, the available evidence is currently insufficient to determine the role of this variant in disease. Therefore, it has been classified as a Variant of Uncertain Significance. Advanced modeling of protein sequence and biophysical properties (such as structural, functional, and spatial information, amino acid conservation, physicochemical variation, residue mobility, and thermodynamic stability) performed at Invitae indicates that this missense variant is not expected to disrupt PMS2 protein function. This variant has not been reported in the literature in individuals affected with PMS2-related conditions. This variant is not present in population databases (gnomAD no frequency). This sequence change replaces glutamine, which is neutral and polar, with glutamic acid, which is acidic and polar, at codon 400 of the PMS2 protein (p.Gln400Glu).